The following is an entry in ClinVar:

NM_000554.6(CRX):c.491G>A (p.Ser164Asn)

Gene: CRX (cone-rod homeobox; plus strand). Cytogenetic location: 19q13.33.
Variant type: single nucleotide variant.
Coding change: c.491G>A on transcript NM_000554.6 (MANE Select); coding-DNA position 491, G replaced by A.
Protein change: p.Ser164Asn; replaces serine 164 with asparagine.
Molecular consequence: missense variant.
Genome position (GRCh38, 1-based): chr19:47,839,558, G>A. VCF-style: chr19-47839558-G-A. GRCh37 (hg19) VCF-style: chr19-48342815-G-A.
Other names: short protein forms S164N.
Identifiers: ClinVar variation 859372 (VCV000859372.10), dbSNP rs1039194669, ClinGen allele CA309212582.

ClinVar aggregate classification (germline): Uncertain significance. Review status: criteria provided, multiple submitters, no conflicts (2 of 4 stars). 2 submissions from 2 submitters: Uncertain significance (2). Last evaluated 2022-07-12.

Conditions:
Inborn genetic diseases. Identifiers: MedGen C0950123, MeSH D030342.
Leber congenital amaurosis 7 (LCA7). Identifiers: Orphanet 65, MedGen C3151192, MONDO:0013449, OMIM 613829.
Cone-rod dystrophy 2 (CORD2). Also called: CONE-ROD RETINAL DYSTROPHY; Cone-rod retinal dystrophy 2. Identifiers: Orphanet 1872, MedGen C3489532, MONDO:0007362, OMIM 120970.

Allele frequency attached by ClinVar (database versions not stated): TOPMed 0.00003; gnomAD 0.00004.
gnomAD v4.1: 6 of 1,612,678 alleles (0.00037%); highest among the groups gnomAD compares: African/African-American, 0.008%; no homozygotes.

Submissions (2):

Labcorp Genetics (formerly Invitae), Labcorp
Classification: Uncertain significance for Cone-rod dystrophy 2; Leber congenital amaurosis 7. Last evaluated: 2022-07-12. Review status: criteria provided, single submitter. Criteria: Invitae Variant Classification Sherloc (09022015). Collection method: clinical testing. Allele origin: germline.
Comment: In summary, the available evidence is currently insufficient to determine the role of this variant in disease. Therefore, it has been classified as a Variant of Uncertain Significance. Algorithms developed to predict the effect of missense changes on protein structure and function (SIFT, PolyPhen-2, Align-GVGD) all suggest that this variant is likely to be disruptive. ClinVar contains an entry for this variant (Variation ID: 859372). This variant has not been reported in the literature in individuals affected with CRX-related conditions. This variant is present in population databases (no rsID available, gnomAD 0.02%). This sequence change replaces serine, which is neutral and polar, with asparagine, which is neutral and polar, at codon 164 of the CRX protein (p.Ser164Asn).

Ambry Genetics
Classification: Uncertain significance for Inborn genetic diseases. Last evaluated: 2021-08-04. Review status: criteria provided, single submitter. Criteria: Ambry Variant Classification Scheme 2023. Collection method: clinical testing. Allele origin: germline.